The following is an entry in ClinVar:

ClinVar aggregate classification (germline): Uncertain significance. Review status: criteria provided, multiple submitters, no conflicts (2 of 4 stars). 2 submissions from 2 submitters: Uncertain significance (2). Last evaluated 2025-08-05.

Conditions:
Inborn genetic diseases. Identifiers: MedGen C0950123, MeSH D030342.
Hereditary spastic paraplegia 50 (SPG50). Also called: Spastic paraplegia 50, autosomal recessive. Identifiers: Orphanet 280763, MedGen C2752008, MONDO:0013048, OMIM 612936.

Allele frequency attached by ClinVar (database versions not stated): gnomAD 0.00001; gnomAD exomes 0.00002 and 0.00006; TOPMed 0.00002; ExAC 0.00008.
gnomAD v4.1: 38 of 1,613,684 alleles (0.0024%); highest among the groups gnomAD compares: East Asian, 0.038%; no homozygotes.

Submissions (2):

Ambry Genetics
Classification: Uncertain significance for Inborn genetic diseases. Last evaluated: 2025-08-05. Review status: criteria provided, single submitter. Criteria: Ambry Variant Classification Scheme 2023. Collection method: clinical testing. Allele origin: germline.

Labcorp Genetics (formerly Invitae), Labcorp
Classification: Uncertain significance for Hereditary spastic paraplegia 50. Last evaluated: 2022-02-18. Review status: criteria provided, single submitter. Criteria: Invitae Variant Classification Sherloc (09022015). Collection method: clinical testing. Allele origin: germline.
Comment: In summary, the available evidence is currently insufficient to determine the role of this variant in disease. Therefore, it has been classified as a Variant of Uncertain Significance. Algorithms developed to predict the effect of missense changes on protein structure and function are either unavailable or do not agree on the potential impact of this missense change (SIFT: "Deleterious"; PolyPhen-2: "Benign"; Align-GVGD: "Class C0"). ClinVar contains an entry for this variant (Variation ID: 647894). This variant has not been reported in the literature in individuals affected with AP4M1-related conditions. This variant is present in population databases (rs772203028, gnomAD 0.06%). This sequence change replaces serine, which is neutral and polar, with leucine, which is neutral and non-polar, at codon 396 of the AP4M1 protein (p.Ser396Leu).

NM_004722.4(AP4M1):c.1187C>T (p.Ser396Leu)

Gene: AP4M1 (adaptor related protein complex 4 subunit mu 1; plus strand). Cytogenetic location: 7q22.1.
Variant type: single nucleotide variant.
Coding change: c.1187C>T on transcript NM_004722.4 (MANE Select); coding-DNA position 1187, C replaced by T.
Protein change: p.Ser396Leu; replaces serine 396 with leucine.
Molecular consequence: missense variant.
Genome position (GRCh38, 1-based): chr7:100,106,707, C>T. VCF-style: chr7-100106707-C-T. GRCh37 (hg19) VCF-style: chr7-99704330-C-T.
Other names: c.1208C>T, p.Ser403Leu (NM_001363671.2); short protein forms S403L, S396L.
Identifiers: ClinVar variation 647894 (VCV000647894.8), dbSNP rs772203028, ClinGen allele CA4375022.
Genomic context (GRCh38, chr7:100,106,707, plus strand): 5'-GCCCCTCACAGATGGACGTCCCAGGGCCCCCAGGACCTCCCAGCCATGGGCTCTCCACCT[C>T]GGCCTCTCCTCTGGGGCTGGGCCCTGCCAGTCTCTCCTTCGAGCTTCCCCGGCACACGTG-3'
Protein context (NP_004713.2, residues 386-406): PGPPSHGLST[Ser396Leu]ASPLGLGPAS